The following is an entry in ClinVar:

ClinVar aggregate classification (germline): Uncertain significance (1 of 4 stars; one submission).

Conditions:
Gastrointestinal stromal tumor. Also called: Gastrointestinal stroma tumor; Gastrointestinal stromal tumor, somatic. Identifiers: Orphanet 44890, MedGen C0238198, MeSH D046152, MONDO:0011719, OMIM 606764, HP:0100723.

Submission:

Labcorp Genetics (formerly Invitae), Labcorp
Classification: Uncertain significance for Gastrointestinal stromal tumor. Last evaluated: 2021-07-22. Review status: criteria provided, single submitter. Criteria: Invitae Variant Classification Sherloc (09022015). Collection method: clinical testing. Allele origin: germline.
Comment: This variant, c.1530_1532del, is a complex sequence change that results in the deletion of 2 and insertion of 1 amino acid(s) in the PDGFRA protein (p.Glu510_Asn511delinsAsp). This variant is not present in population databases (ExAC no frequency). This variant has not been reported in the literature in individuals affected with PDGFRA-related conditions. Experimental studies and prediction algorithms are not available or were not evaluated, and the functional significance of this variant is currently unknown. In summary, the available evidence is currently insufficient to determine the role of this variant in disease. Therefore, it has been classified as a Variant of Uncertain Significance.

NM_006206.6(PDGFRA):c.1530_1532del (p.Glu510_Asn511delinsAsp)

Gene: PDGFRA (platelet derived growth factor receptor alpha; plus strand). Cytogenetic location: 4q12.
Variant type: Deletion.
Coding change: c.1530_1532del on transcript NM_006206.6 (MANE Select); coding-DNA positions 1530 to 1532, 3 bases deleted (GAA; older notation c.1530_1532delGAA).
Protein change: p.Glu510_Asn511delinsAsp.
Molecular consequence: inframe indel.
Genome position (GRCh38, 1-based): chr4:54,273,702-54,273,704, GAA deleted; deleting any 3 consecutive bases within chr4:54,273,701-54,273,704 gives the same sequence; the c. name uses the placement nearest the transcript's 3' end. VCF-style (leftmost placement, unchanged base first): chr4-54273700-GAGA-G. GRCh37 (hg19) VCF-style: chr4-55139867-GAGA-G.
Other names: c.1530_1532del, p.Glu510_Asn511delinsAsp (NM_001347827.2, NM_001347829.2); c.1605_1607del, p.Glu535_Asn536delinsAsp (NM_001347828.2); c.1569_1571del, p.Glu523_Asn524delinsAsp (NM_001347830.2).
Identifiers: ClinVar variation 2068781 (VCV002068781.1), dbSNP rs2475489301, ClinGen allele CA2580071170.